The following is an entry in ClinVar:

NM_002471.4(MYH6):c.5491G>A (p.Glu1831Lys)

Gene: MYH6 (myosin heavy chain 6; minus strand). Cytogenetic location: 14q11.2.
Variant type: single nucleotide variant.
Coding change: c.5491G>A on transcript NM_002471.4 (MANE Select); coding-DNA position 5491, G replaced by A.
Protein change: p.Glu1831Lys; replaces glutamic acid 1831 with lysine.
Molecular consequence: missense variant.
Genome position (GRCh38, 1-based): chr14:23,384,516, C>T on the plus strand (G>A on the coding strand, the complement: MYH6 is on the minus strand). VCF-style: chr14-23384516-C-T. GRCh37 (hg19) VCF-style: chr14-23853725-C-T.
Other names: short protein forms E1831K.
Identifiers: ClinVar variation 196975 (VCV000196975.24), dbSNP rs367834703, ClinGen allele CA244827.

ClinVar aggregate classification (germline): Uncertain significance. Review status: criteria provided, multiple submitters, no conflicts (2 of 4 stars). 8 submissions from 8 submitters: Uncertain significance (8). Last evaluated 2025-09-29.

Conditions:
Cardiovascular phenotype. Identifiers: MedGen CN230736.
Dilated cardiomyopathy 1EE (CMD1EE). Identifiers: Orphanet 154, MedGen C2750466, MONDO:0013198, OMIM 613252.
Hypertrophic cardiomyopathy 14. Identifiers: MedGen C2750467, MONDO:0013197, OMIM 613251.
Sick sinus syndrome 3, susceptibility to (SSS3). Identifiers: Orphanet 166282, MedGen C3279791, MONDO:0013568, OMIM 614090.
Atrial septal defect 3 (ASD3). Identifiers: Orphanet 1478, MedGen C3279790, MONDO:0013567, OMIM 614089.
Hypertrophic cardiomyopathy 1 (CMH1). Also called: Familial hypertrophic cardiomyopathy 1; MYH7-Related Familial Hypertrophic Cardiomyopathy. Identifiers: MedGen C3495498, MONDO:0008647, OMIM 192600.
Long QT syndrome (LQTS). Identifiers: MedGen C0023976, MeSH D008133, MONDO:0002442. Disease mechanism: loss of function. Inheritance: Various modes of inheritance.

Allele frequency attached by ClinVar (database versions not stated): gnomAD 0.00006; ESP Exome Variant Server 0.00008.

Submissions (8):

Labcorp Genetics (formerly Invitae), Labcorp
Classification: Uncertain significance for Hypertrophic cardiomyopathy 14. Last evaluated: 2025-09-29. Review status: criteria provided, single submitter. Criteria: Invitae Variant Classification Sherloc (09022015). Collection method: clinical testing. Allele origin: germline.
Comment: This sequence change replaces glutamic acid, which is acidic and polar, with lysine, which is basic and polar, at codon 1831 of the MYH6 protein (p.Glu1831Lys). This variant is present in population databases (rs367834703, gnomAD 0.03%). This missense change has been observed in individual(s) with patent foramen ovale (PMID: 38808331). ClinVar contains an entry for this variant (Variation ID: 196975). Invitae Evidence Modeling of protein sequence and biophysical properties (such as structural, functional, and spatial information, amino acid conservation, physicochemical variation, residue mobility, and thermodynamic stability) indicates that this missense variant is expected to disrupt MYH6 protein function with a positive predictive value of 80%. In summary, the available evidence is currently insufficient to determine the role of this variant in disease. Therefore, it has been classified as a Variant of Uncertain Significance.

Ambry Genetics
Classification: Uncertain significance for Cardiovascular phenotype. Last evaluated: 2024-09-26. Review status: criteria provided, single submitter. Criteria: Ambry Variant Classification Scheme 2023. Collection method: clinical testing. Allele origin: germline.
Comment: The c.5491G>A (p.E1831K) alteration is located in exon 36 (coding exon 34) of the MYH6 gene. This alteration results from a G to A substitution at nucleotide position 5491, causing the glutamic acid (E) at amino acid position 1831 to be replaced by a lysine (K). Based on data from gnomAD, the A allele has an overall frequency of 0.013% (36/282620) total alleles studied. The highest observed frequency was 0.03% (6/19948) of East Asian alleles. This variant was detected in a cardiomyopathy genetic testing cohort; however, clinical details were limited, and additional cardiac variants were detected in some cases (van Lint, 2019). This alteration was also detected in a hypertrophic cardiomyopathy (HCM) cohort (J&auml;&auml;skel&auml;inen, 2019). This amino acid position is highly conserved in available vertebrate species. This alteration is predicted to be deleterious by in silico analysis. Based on insufficient or conflicting evidence, the clinical significance of this alteration remains unclear.

Dept of Medical Biology, Uskudar University
Classification: Uncertain significance for Long QT syndrome. Last evaluated: 2024-01-08. Review status: criteria provided, single submitter. Criteria: Dept of Medical Biology Variant Classification. Collection method: research. Allele origin: maternal. Affected: yes. Observed: 1 variant allele.
Comment: Criteria: PP3

Clinical Genetics Laboratory, Skane University Hospital Lund
Classification: Uncertain significance. Last evaluated: 2023-08-17. Review status: criteria provided, single submitter. Criteria: ACMG Guidelines, 2015. Collection method: clinical testing. Allele origin: germline. Affected: yes.

Fulgent Genetics
Classification: Uncertain significance for Hypertrophic cardiomyopathy 1; Hypertrophic cardiomyopathy 14; Dilated cardiomyopathy 1EE; Atrial septal defect 3; Sick sinus syndrome 3, susceptibility to. Last evaluated: 2021-09-01. Review status: criteria provided, single submitter. Criteria: ACMG Guidelines, 2015. Collection method: clinical testing. Allele origin: unknown.

GeneDx
Classification: Uncertain significance. Last evaluated: 2020-01-28. Review status: criteria provided, single submitter. Criteria: GeneDx Variant Classification Process June 2021. Collection method: clinical testing. Allele origin: germline. Affected: yes.
Comment: Has not been previously published as pathogenic or benign to our knowledge; Reported in ClinVar as a variant of uncertain significance (ClinVar Variant ID# 196975; Landrum et al., 2016); In silico analysis, which includes protein predictors and evolutionary conservation, supports a deleterious effect

Eurofins Ntd Llc (ga)
Classification: Uncertain significance. Last evaluated: 2015-06-05. Review status: criteria provided, single submitter. Criteria: EGL Classification Definitions 2015. Collection method: clinical testing. Allele origin: germline. Observed: 1 variant allele, 1 heterozygote.

Juno Genomics, Hangzhou Juno Genomics, Inc
Classification: Uncertain significance for Atrial septal defect 3; Sick sinus syndrome 3, susceptibility to; Dilated cardiomyopathy 1EE; Hypertrophic cardiomyopathy 14. Review status: criteria provided, single submitter. Criteria: ACMG Guidelines, 2015. Collection method: clinical testing. Allele origin: germline.
Comment: Absent from controls (or at extremely low frequency if recessive) in Genome Aggregation Database.;Missense variant in a gene that has a low rate of benign missense variation.;Multiple lines of computational evidence support a deleterious effect on the gene or gene product.

Literature cited by the submitters: PubMed 38808331 (cited by Labcorp Genetics (formerly Invitae), Labcorp); PubMed 30775854 (cited by Ambry Genetics); PubMed 30847666 (cited by Ambry Genetics).